The following is an entry in ClinVar:

ClinVar aggregate classification (germline): Uncertain significance (1 of 4 stars; one submission).

Conditions:
Cardiovascular phenotype. Identifiers: MedGen CN230736.

Submission:

Ambry Genetics
Classification: Uncertain significance for Cardiovascular phenotype. Last evaluated: 2021-06-12. Review status: criteria provided, single submitter. Criteria: Ambry Variant Classification Scheme 2023. Collection method: clinical testing. Allele origin: germline.
Comment: The p.V350L variant (also known as c.1048G>C), located in coding exon 9 of the LIPA gene, results from a G to C substitution at nucleotide position 1048. The valine at codon 350 is replaced by leucine, an amino acid with highly similar properties. This amino acid position is conserved. In addition, this alteration is predicted to be tolerated by in silico analysis. Since supporting evidence is limited at this time, the clinical significance of this alteration remains unclear.

NM_000235.4(LIPA):c.1048G>C (p.Val350Leu)

Gene: LIPA (lipase A, lysosomal acid type; minus strand). Cytogenetic location: 10q23.31.
Variant type: single nucleotide variant.
Coding change: c.1048G>C on transcript NM_000235.4 (MANE Select); coding-DNA position 1048, G replaced by C.
Protein change: p.Val350Leu; replaces valine 350 with leucine.
Molecular consequence: missense variant.
Genome position (GRCh38, 1-based): chr10:89,214,980, C>G on the plus strand (G>C on the coding strand, the complement: LIPA is on the minus strand). VCF-style: chr10-89214980-C-G. GRCh37 (hg19) VCF-style: chr10-90974737-C-G.
Other names: c.1048G>C, p.Val350Leu (NM_001127605.3); c.700G>C, p.Val234Leu (NM_001288979.2); short protein forms V234L, V350L.
Identifiers: ClinVar variation 1776185 (VCV001776185.2), dbSNP rs1243515860, ClinGen allele CA377516261.
Genomic context (GRCh38, chr10:89,214,980, plus strand): 5'-GAATGCTCTCATGGAACACCAAGTTGGTGATCTGAGTCAGTAAGATATTGACGTCGTAGA[C>G]ATCTGCAAGCCAGTCGTGACCCCCGCTCCAGACTGCAGTCGGCACAAGCATGTCCTTCAC-3'
Protein context (NP_000226.2, residues 340-360): WSGGHDWLAD[Val350Leu]YDVNILLTQI